The following is an entry in ClinVar:

ClinVar aggregate classification (germline): Uncertain significance. Review status: criteria provided, multiple submitters, no conflicts (2 of 4 stars). 3 submissions from 3 submitters: Uncertain significance (3). Last evaluated 2025-05-16.

Conditions:
Hereditary cancer-predisposing syndrome. Also called: Neoplastic Syndromes, Hereditary; Hereditary Cancer Syndrome; Hereditary neoplastic syndrome; Tumor predisposition. Identifiers: Orphanet 140162, MedGen C0027672, MeSH D009386, MONDO:0015356.
Tuberous sclerosis 2 (TSC2). Identifiers: Orphanet 805, MedGen C1860707, MONDO:0013199, OMIM 613254.
Lymphangiomyomatosis (LAM). Also called: Lymphangioleiomyomatosis, somatic; Lymphangioleiomyomatosis. Identifiers: Orphanet 538, MedGen C0751674, MONDO:0011705, OMIM 606690.
Isolated focal cortical dysplasia type II (FCORD2). Also called: CORTICAL DYSPLASIA OF TAYLOR; Focal cortical dysplasia type II. Identifiers: Orphanet 268994, MedGen C1846385, MONDO:0011818, OMIM 607341, HP:0032051.

gnomAD v4.1: 1 of 1,614,028 alleles (0.000062%); highest among the groups gnomAD compares: Non-Finnish European, 0.000085%; no homozygotes.

Submissions (3):

Ambry Genetics
Classification: Uncertain significance for Hereditary cancer-predisposing syndrome. Last evaluated: 2025-05-16. Review status: criteria provided, single submitter. Criteria: Ambry Variant Classification Scheme 2023. Collection method: clinical testing. Allele origin: germline.
Comment: The p.L205V variant (also known as c.613C>G), located in coding exon 6 of the TSC2 gene, results from a C to G substitution at nucleotide position 613. The leucine at codon 205 is replaced by valine, an amino acid with highly similar properties. This amino acid position is conserved. In addition, the in silico prediction for this alteration is inconclusive. Since supporting evidence is limited at this time, the clinical significance of this alteration remains unclear.

Fulgent Genetics
Classification: Uncertain significance for Lymphangiomyomatosis; Isolated focal cortical dysplasia type II; Tuberous sclerosis 2. Last evaluated: 2024-05-31. Review status: criteria provided, single submitter. Criteria: ACMG Guidelines, 2015. Collection method: clinical testing. Allele origin: germline.

Labcorp Genetics (formerly Invitae), Labcorp
Classification: Uncertain significance for Tuberous sclerosis 2. Last evaluated: 2018-10-08. Review status: criteria provided, single submitter. Criteria: Invitae Variant Classification Sherloc (09022015). Collection method: clinical testing. Allele origin: germline.
Comment: This sequence change replaces leucine with valine at codon 205 of the TSC2 protein (p.Leu205Val). The leucine residue is highly conserved and there is a small physicochemical difference between leucine and valine. This variant is not present in population databases (ExAC no frequency). This variant has not been reported in the literature in individuals with TSC2-related disease. Algorithms developed to predict the effect of missense changes on protein structure and function are either unavailable or do not agree on the potential impact of this missense change (SIFT: "Tolerated"; PolyPhen-2: "Probably Damaging"; Align-GVGD: "Class C0"). Algorithms developed to predict the effect of sequence changes on RNA splicing suggest that this variant may create or strengthen a splice site, but this prediction has not been confirmed by published transcriptional studies. In summary, the available evidence is currently insufficient to determine the role of this variant in disease. Therefore, it has been classified as a Variant of Uncertain Significance.

NM_000548.5(TSC2):c.613C>G (p.Leu205Val)

Gene: TSC2 (TSC complex subunit 2; plus strand). Cytogenetic location: 16p13.3.
Variant type: single nucleotide variant.
Coding change: c.613C>G on transcript NM_000548.5 (MANE Select); coding-DNA position 613, C replaced by G.
Protein change: p.Leu205Val; replaces leucine 205 with valine.
Molecular consequence: missense variant.
Genome position (GRCh38, 1-based): chr16:2,056,209, C>G. VCF-style: chr16-2056209-C-G. GRCh37 (hg19) VCF-style: chr16-2106210-C-G.
Other names: c.613C>G, p.Leu205Val (NM_001077183.3, NM_001114382.3, NM_001363528.2 and 3 more transcripts); c.502C>G, p.Leu168Val (NM_001318827.2); c.466C>G, p.Leu156Val (NM_001318829.2); c.13C>G, p.Leu5Val (NM_001318831.2); c.646C>G, p.Leu216Val (NM_001318832.2); short protein forms L156V, L205V, L5V, L168V, L216V.
Identifiers: ClinVar variation 645392 (VCV000645392.13), dbSNP rs1596275276, ClinGen allele CA394310686.